The following is an entry in ClinVar:

ClinVar aggregate classification (germline): Likely pathogenic (1 of 4 stars; one submission).

Submission:

ARUP Laboratories, Molecular Genetics and Genomics, ARUP Laboratories
Classification: Likely pathogenic. Last evaluated: 2017-05-18. Review status: criteria provided, single submitter. Criteria: ARUP Molecular Germline Variant Investigation Process. Collection method: clinical testing. Allele origin: germline.
Comment: The p.Lys331Thr variant has not been reported in the medical literature, gene specific variation databases, nor has it been previously identified by our laboratory. It is absent from general population databases such as 1000 Genomes, NHLBI GO Exome Sequencing Project (ESP) , and the Exome Aggregation Consortium (ExAC) browser. De novo variants of KCNQ2 are associated with early infantile epileptic encephalopathy 7 (MIM: 602235). Several variants have been identified near the p.Lys331Thr variant (Milh 2013, Millichap 2016 Soldovieri 2016). Milh et al reported a patient with a de novo p.Arg333Trp variant with bilateral tonic clonic and right clonic that improved with age. Soldovieri et al demonstrates that the p.Arg325Gly variant found in four patients was nonfunctional in an in vitro expression system. In a 23 patient cohort, including a nearby p.Ala337Thr variant Millichap et al. described favorable response in 6/11 patients treated with ezogabine. Based on these observations the p.Lys331Thr variant has been classified as likely pathogenic.

NM_172107.4(KCNQ2):c.992A>C (p.Lys331Thr)

Gene: KCNQ2 (potassium voltage-gated channel subfamily Q member 2; minus strand). Cytogenetic location: 20q13.33.
Variant type: single nucleotide variant.
Coding change: c.992A>C on transcript NM_172107.4 (MANE Select); coding-DNA position 992, A replaced by C.
Protein change: p.Lys331Thr; replaces lysine 331 with threonine.
Molecular consequence: missense variant.
Genome position (GRCh38, 1-based): chr20:63,438,656, T>G on the plus strand (A>C on the coding strand, the complement: KCNQ2 is on the minus strand). VCF-style: chr20-63438656-T-G. GRCh37 (hg19) VCF-style: chr20-62070009-T-G.
Other names: c.992A>C, p.Lys331Thr (NM_004518.6, NM_172106.3, NM_172108.5 and 1 more transcripts); short protein forms K331T.
Identifiers: ClinVar variation 618186 (VCV000618186.8), dbSNP rs1568925523, ClinGen allele CA409652117.
Genomic context (GRCh38, chr20:63,438,656, plus strand): 5'-GCTGGTCCCCGGGGGACACCTGGACTCACCTGGATCAGGCCTGCTGCCGGGTTCCGCCTC[T>G]TCTCAAAGTGCTTCTGCCTGTGCTGCTCCTGAACCTTCAGGGCAAACCCAGACCCCAAGA-3'
Protein context (NP_742105.1, residues 321-341): QEQHRQKHFE[Lys331Thr]RRNPAAGLIQ